The following is an entry in ClinVar:

ClinVar aggregate classification (germline): Uncertain significance. Review status: criteria provided, multiple submitters, no conflicts (2 of 4 stars). 3 submissions from 3 submitters: Uncertain significance (3). Last evaluated 2024-08-08.

Conditions:
Cardiomyopathy (CMYO). Also called: Cardiomyopathies. Identifiers: Orphanet 167848, MedGen C0878544, MONDO:0004994, HP:0001638. Inheritance: Various modes of inheritance.
Cardiovascular phenotype. Identifiers: MedGen CN230736.
Hypertrophic cardiomyopathy 14. Identifiers: MedGen C2750467, MONDO:0013197, OMIM 613251.

Submissions (3):

Labcorp Genetics (formerly Invitae), Labcorp
Classification: Uncertain significance for Hypertrophic cardiomyopathy 14. Last evaluated: 2024-08-08. Review status: criteria provided, single submitter. Criteria: Invitae Variant Classification Sherloc (09022015). Collection method: clinical testing. Allele origin: germline.
Comment: This sequence change replaces alanine, which is neutral and non-polar, with threonine, which is neutral and polar, at codon 936 of the MYH6 protein (p.Ala936Thr). This variant is present in population databases (rs141704264, gnomAD 0.003%). This missense change has been observed in individual(s) with dilated cardiomyopathy (PMID: 31983221). ClinVar contains an entry for this variant (Variation ID: 1329247). Advanced modeling of protein sequence and biophysical properties (such as structural, functional, and spatial information, amino acid conservation, physicochemical variation, residue mobility, and thermodynamic stability) performed at Invitae indicates that this missense variant is not expected to disrupt MYH6 protein function with a negative predictive value of 80%. In summary, the available evidence is currently insufficient to determine the role of this variant in disease. Therefore, it has been classified as a Variant of Uncertain Significance.

Ambry Genetics
Classification: Uncertain significance for Cardiovascular phenotype. Last evaluated: 2023-04-17. Review status: criteria provided, single submitter. Criteria: Ambry Variant Classification Scheme 2023. Collection method: clinical testing. Allele origin: germline.
Comment: The p.A936T variant (also known as c.2806G>A), located in coding exon 20 of the MYH6 gene, results from a G to A substitution at nucleotide position 2806. The alanine at codon 936 is replaced by threonine, an amino acid with similar properties. This amino acid position is highly conserved in available vertebrate species. In addition, the in silico prediction for this alteration is inconclusive. Since supporting evidence is limited at this time, the clinical significance of this alteration remains unclear.

CHEO Genetics Diagnostic Laboratory, Children's Hospital of Eastern Ontario
Classification: Uncertain significance for Cardiomyopathy. Last evaluated: 2021-03-26. Review status: criteria provided, single submitter. Criteria: ACMG Guidelines, 2015. Collection method: clinical testing. Allele origin: germline.

Literature cited by the submitters: PubMed 31983221 (cited by Labcorp Genetics (formerly Invitae), Labcorp and Ambry Genetics).

NM_002471.4(MYH6):c.2806G>A (p.Ala936Thr)

Gene: MYH6 (myosin heavy chain 6; minus strand). Cytogenetic location: 14q11.2.
Variant type: single nucleotide variant.
Coding change: c.2806G>A on transcript NM_002471.4 (MANE Select); coding-DNA position 2806, G replaced by A.
Protein change: p.Ala936Thr; replaces alanine 936 with threonine.
Molecular consequence: missense variant.
Genome position (GRCh38, 1-based): chr14:23,393,788, C>T on the plus strand (G>A on the coding strand, the complement: MYH6 is on the minus strand). VCF-style: chr14-23393788-C-T. GRCh37 (hg19) VCF-style: chr14-23862997-C-T.
Other names: short protein forms A936T.
Identifiers: ClinVar variation 1329247 (VCV001329247.6), dbSNP rs141704264, ClinGen allele CA7115373.